The following is an entry in ClinVar:

ClinVar aggregate classification (germline): Likely benign (0 of 4 stars; one submission).

Conditions:
SRA1-related disorder. Also called: SRA1-related condition.

Allele frequency attached by ClinVar (database versions not stated): 1000 Genomes Project 0.00020; 1000 Genomes Project 30x 0.00031; ESP Exome Variant Server 0.00024.

Submission:

PreventionGenetics, part of Exact Sciences
Classification: Likely benign for SRA1-related condition. Last evaluated: 2019-06-10. Review status: no assertion criteria provided. Collection method: clinical testing. Allele origin: germline.
Comment: This variant is classified as likely benign based on ACMG/AMP sequence variant interpretation guidelines (Richards et al. 2015 PMID: 25741868, with internal and published modifications).

NM_001035235.3(SRA1):c.-6C>G

Gene: SRA1 (steroid receptor RNA activator 1; minus strand). Cytogenetic location: 5q31.3.
Variant type: single nucleotide variant.
Coding change: c.-6C>G on transcript NM_001035235.3; 6 bases upstream of the start codon, C replaced by G.
Molecular consequence: non-coding transcript variant (on NR_045586.1).
Genome position (GRCh38, 1-based): chr5:140,557,494, G>C on the plus strand (C>G on the coding strand, the complement: SRA1 is on the minus strand). VCF-style: chr5-140557494-G-C. GRCh37 (hg19) VCF-style: chr5-139937079-G-C.
Identifiers: ClinVar variation 3044899 (VCV003044899.2), dbSNP rs201105057, ClinGen allele CA3440831.
Genomic context (GRCh38, chr5:140,557,494, plus strand): 5'-TCACGTACAGCTCCGCCATCTCCACTTCCGCTTGGCCAGCGGGGCAGCGCGTCATTTCCG[G>C]GGCGGCCCCTCACGCGGGCCAGTTGAGACACGTCCAGGGCCAGGCGGGTTGCCGGAATCC-3'